The following is an entry in ClinVar:

ClinVar aggregate classification (germline): Conflicting classifications of pathogenicity. Review status: criteria provided, conflicting classifications (1 of 4 stars). 4 submissions from 4 submitters: Uncertain significance (2); Likely benign (2). Last evaluated 2025-06-01.

Allele frequency attached by ClinVar (database versions not stated): 1000 Genomes Project 30x 0.00016; 1000 Genomes Project 0.00020; ESP Exome Variant Server 0.00023; TOPMed 0.00031; gnomAD 0.00046; gnomAD exomes 0.00071; ExAC 0.00075.

Submissions (4):

CeGaT Center for Human Genetics Tuebingen
Classification: Likely benign. Last evaluated: 2025-06-01. Review status: criteria provided, single submitter. Criteria: CeGaT Center For Human Genetics Tuebingen Variant Classification Criteria Version 2. Collection method: clinical testing. Allele origin: germline. Affected: yes. Observed: 1 variant allele.
Comment: VPS13D: BP4

Labcorp Genetics (formerly Invitae), Labcorp
Classification: Uncertain significance. Last evaluated: 2025-01-06. Review status: criteria provided, single submitter. Criteria: Invitae Variant Classification Sherloc (09022015). Collection method: clinical testing. Allele origin: germline.
Comment: This sequence change replaces arginine, which is basic and polar, with cysteine, which is neutral and slightly polar, at codon 336 of the VPS13D protein (p.Arg336Cys). This variant is present in population databases (rs116796597, gnomAD 0.1%), and has an allele count higher than expected for a pathogenic variant. This variant has not been reported in the literature in individuals affected with VPS13D-related conditions. ClinVar contains an entry for this variant (Variation ID: 2050117). An algorithm developed to predict the effect of missense changes on protein structure and function outputs the following: PolyPhen-2: "Benign". The cysteine amino acid residue is found in multiple mammalian species, which suggests that this missense change does not adversely affect protein function. In summary, the available evidence is currently insufficient to determine the role of this variant in disease. Therefore, it has been classified as a Variant of Uncertain Significance.

Blueprint Genetics
Classification: Likely benign. Last evaluated: 2024-10-04. Review status: criteria provided, single submitter. Criteria: ACMG Guidelines, 2015. Collection method: clinical testing. Allele origin: germline.

Mayo Clinic Laboratories, Mayo Clinic
Classification: Uncertain significance. Last evaluated: 2023-11-07. Review status: criteria provided, single submitter. Criteria: ACMG Guidelines, 2015. Collection method: clinical testing. Allele origin: germline. Observed: 3 variant alleles.
Comment: BP4

NM_015378.4(VPS13D):c.1006C>T (p.Arg336Cys)

Gene: VPS13D (vacuolar protein sorting 13 homolog D; plus strand). Cytogenetic location: 1p36.22.
Variant type: single nucleotide variant.
Coding change: c.1006C>T on transcript NM_015378.4 (MANE Select); coding-DNA position 1006, C replaced by T.
Protein change: p.Arg336Cys; replaces arginine 336 with cysteine.
Molecular consequence: missense variant.
Genome position (GRCh38, 1-based): chr1:12,257,999, C>T. VCF-style: chr1-12257999-C-T. GRCh37 (hg19) VCF-style: chr1-12318056-C-T.
Other names: p.Arg336Cys; c.1006C>T, p.Arg336Cys (NM_018156.4); short protein forms R336C.
Identifiers: ClinVar variation 2050117 (VCV002050117.12), dbSNP rs116796597, ClinGen allele CA601394.